The following is an entry in ClinVar:

ClinVar aggregate classification (germline): Likely benign. Review status: criteria provided, single submitter (1 of 4 stars). 2 submissions from 2 submitters: Likely benign (1). 1 of the submissions does not count toward it. Last evaluated 2026-01-12.

Conditions:
PCNT-related disorder. Also called: PCNT-related condition.

Allele frequency attached by ClinVar (database versions not stated): gnomAD exomes 0.00005 and 0.00007; ExAC 0.00009; gnomAD 0.00019 and 0.00020; TOPMed 0.00025; 1000 Genomes Project 30x 0.00031; ESP Exome Variant Server 0.00031; 1000 Genomes Project 0.00040.
gnomAD v4.1: 119 of 1,614,214 alleles (0.0074%); highest among the groups gnomAD compares: African/African-American, 0.11%; 1 homozygote.

Submissions (2):

Labcorp Genetics (formerly Invitae), Labcorp
Classification: Likely benign. Last evaluated: 2026-01-12. Review status: criteria provided, single submitter. Criteria: Invitae Variant Classification Sherloc (09022015). Collection method: clinical testing. Allele origin: germline.

PreventionGenetics, part of Exact Sciences
Classification: Likely benign for PCNT-related condition. Last evaluated: 2021-08-16. Review status: no assertion criteria provided. Collection method: clinical testing. Allele origin: germline. Not counted in ClinVar's aggregate classification.
Comment: This variant is classified as likely benign based on ACMG/AMP sequence variant interpretation guidelines (Richards et al. 2015 PMID: 25741868, with internal and published modifications).

NM_006031.6(PCNT):c.4395G>A (p.Gln1465=)

Gene: PCNT (pericentrin; plus strand). Cytogenetic location: 21q22.3.
Variant type: single nucleotide variant.
Coding change: c.4395G>A on transcript NM_006031.6 (MANE Select); coding-DNA position 4395, G replaced by A.
Protein change: p.Gln1465=; no amino-acid change (glutamine 1465 retained).
Molecular consequence: synonymous variant.
Genome position (GRCh38, 1-based): chr21:46,397,443, G>A. VCF-style: chr21-46397443-G-A. GRCh37 (hg19) VCF-style: chr21-47817357-G-A.
Other names: c.4041G>A, p.Gln1347= (NM_001315529.2); c.4395G>A (NM_006031.5).
Identifiers: ClinVar variation 1558880 (VCV001558880.10), dbSNP rs112911892, ClinGen allele CA10079617.